The following is an entry in ClinVar:

NM_021008.4(DEAF1):c.1675G>A (p.Val559Met)

Gene: DEAF1 (DEAF1 transcription factor; minus strand). Cytogenetic location: 11p15.5.
Variant type: single nucleotide variant.
Coding change: c.1675G>A on transcript NM_021008.4 (MANE Select); coding-DNA position 1675, G replaced by A.
Protein change: p.Val559Met; replaces valine 559 with methionine.
Molecular consequence: missense variant.
Genome position (GRCh38, 1-based): chr11:644,573, C>T on the plus strand (G>A on the coding strand, the complement: DEAF1 is on the minus strand). VCF-style: chr11-644573-C-T. GRCh37 (hg19) VCF-style: chr11-644573-C-T.
Other names: c.1450G>A, p.Val484Met (NM_001293634.2); c.949G>A, p.Val317Met (NM_001367390.1); short protein forms V317M, V484M, V559M.
Identifiers: ClinVar variation 1434633 (VCV001434633.8), dbSNP rs760200310, ClinGen allele CA5786089.

ClinVar aggregate classification (germline): Uncertain significance. Review status: criteria provided, multiple submitters, no conflicts (2 of 4 stars). 2 submissions from 2 submitters: Uncertain significance (2). Last evaluated 2024-10-29.

Conditions:
DEAF1-related disorder.

Allele frequency attached by ClinVar (database versions not stated): ExAC 0.00003.
gnomAD v4.1: 14 of 1,612,918 alleles (0.00087%); highest among the groups gnomAD compares: East Asian, 0.0022%; no homozygotes.

Submissions (2):

Labcorp Genetics (formerly Invitae), Labcorp
Classification: Uncertain significance. Last evaluated: 2024-10-29. Review status: criteria provided, single submitter. Criteria: Invitae Variant Classification Sherloc (09022015). Collection method: clinical testing. Allele origin: germline.
Comment: This sequence change replaces valine, which is neutral and non-polar, with methionine, which is neutral and non-polar, at codon 559 of the DEAF1 protein (p.Val559Met). This variant is present in population databases (rs760200310, gnomAD 0.005%). This variant has not been reported in the literature in individuals affected with DEAF1-related conditions. ClinVar contains an entry for this variant (Variation ID: 1434633). Invitae Evidence Modeling of protein sequence and biophysical properties (such as structural, functional, and spatial information, amino acid conservation, physicochemical variation, residue mobility, and thermodynamic stability) indicates that this missense variant is not expected to disrupt DEAF1 protein function with a negative predictive value of 80%. In summary, the available evidence is currently insufficient to determine the role of this variant in disease. Therefore, it has been classified as a Variant of Uncertain Significance.

PreventionGenetics, part of Exact Sciences
Classification: Uncertain significance for DEAF1-related condition. Last evaluated: 2023-10-03. Review status: criteria provided, single submitter. Criteria: ACMG Guidelines, 2015. Collection method: clinical testing. Allele origin: germline.
Comment: The DEAF1 c.1675G>A variant is predicted to result in the amino acid substitution p.Val559Met. To our knowledge, this variant has not been reported in the literature. This variant is reported in 0.0050% of alleles in individuals of East Asian descent in gnomAD. At this time, the clinical significance of this variant is uncertain due to the absence of conclusive functional and genetic evidence.